The following is an entry in ClinVar:

NM_003904.5(ZPR1):c.709G>A (p.Glu237Lys)

Gene: ZPR1 (ZPR1 zinc finger; minus strand). Cytogenetic location: 11q23.3.
Variant type: single nucleotide variant.
Coding change: c.709G>A on transcript NM_003904.5 (MANE Select); coding-DNA position 709, G replaced by A.
Protein change: p.Glu237Lys; replaces glutamic acid 237 with lysine.
Molecular consequence: missense variant.
Genome position (GRCh38, 1-based): chr11:116,785,143, C>T on the plus strand (G>A on the coding strand, the complement: ZPR1 is on the minus strand). VCF-style: chr11-116785143-C-T. GRCh37 (hg19) VCF-style: chr11-116655859-C-T.
Other names: c.547G>A, p.Glu183Lys (NM_001317086.2); short protein forms E183K, E237K.
Identifiers: ClinVar variation 3387923 (VCV003387923.14).

ClinVar aggregate classification (germline): Likely benign (1 of 4 stars; one submission).

Submission:

CeGaT Center for Human Genetics Tuebingen
Classification: Likely benign. Last evaluated: 2024-10-01. Review status: criteria provided, single submitter. Criteria: CeGaT Center For Human Genetics Tuebingen Variant Classification Criteria Version 2. Collection method: clinical testing. Allele origin: germline. Affected: yes. Observed: 1 variant allele.
Comment: ZPR1: BP4, BS2